The following is an entry in ClinVar:

ClinVar aggregate classification (germline): Uncertain significance (1 of 4 stars; one submission).

Conditions:
Inborn genetic diseases. Identifiers: MedGen C0950123, MeSH D030342.

Allele frequency attached by ClinVar (database versions not stated): gnomAD exomes 0.00001; gnomAD 0.00002; TOPMed 0.00003; ESP Exome Variant Server 0.00008.

Submission:

Ambry Genetics
Classification: Uncertain significance for Inborn genetic diseases. Last evaluated: 2024-03-02. Review status: criteria provided, single submitter. Criteria: Ambry Variant Classification Scheme 2023. Collection method: clinical testing. Allele origin: germline.
Comment: The p.Q94E variant (also known as c.280C>G), located in coding exon 3 of the RAD51 gene, results from a C to G substitution at nucleotide position 280. The glutamine at codon 94 is replaced by glutamic acid, an amino acid with highly similar properties. This amino acid position is conserved. In addition, this alteration is predicted to be tolerated by in silico analysis. Since supporting evidence is limited at this time, the clinical significance of this alteration remains unclear.

NM_002875.5(RAD51):c.280C>G (p.Gln94Glu)

Gene: RAD51 (RAD51 recombinase; plus strand). Cytogenetic location: 15q15.1.
Variant type: single nucleotide variant.
Coding change: c.280C>G on transcript NM_002875.5 (MANE Select); coding-DNA position 280, C replaced by G.
Protein change: p.Gln94Glu; replaces glutamine 94 with glutamic acid.
Molecular consequence: missense variant. On other transcripts: intron variant (2).
Genome position (GRCh38, 1-based): chr15:40,706,231, C>G. VCF-style: chr15-40706231-C-G. GRCh37 (hg19) VCF-style: chr15-40998429-C-G.
Other names: c.280C>G, p.Gln94Glu (NM_001164270.2); c.347-2794C>G (NM_133487.4, NM_001164269.2); short protein forms Q94E.
Identifiers: ClinVar variation 1796310 (VCV001796310.2), dbSNP rs376382204, ClinGen allele CA268840919.
Genomic context (GRCh38, chr15:40,706,231, plus strand): 5'-TCCCAGGCTGAGGCAGCTAAATTAGTTCCAATGGGTTTCACCACTGCAACTGAATTCCAC[C>G]AAAGGCGGTCAGAGATCATACAGATTACTACTGGCTCCAAAGAGCTTGACAAACTACTTC-3'
Protein context (NP_002866.2, residues 84-104): MGFTTATEFH[Gln94Glu]RRSEIIQITT